The following is an entry in ClinVar:

ClinVar aggregate classification (germline): Uncertain significance (1 of 4 stars; one submission).

Conditions:
RASopathy. Also called: rasopathies; Noonan spectrum disorder. Identifiers: Orphanet 536391, MedGen C5555857, MONDO:0021060.

Submission:

Labcorp Genetics (formerly Invitae), Labcorp
Classification: Uncertain significance for RASopathy. Last evaluated: 2021-06-11. Review status: criteria provided, single submitter. Criteria: Invitae Variant Classification Sherloc (09022015). Collection method: clinical testing. Allele origin: germline.
Comment: Advanced modeling of protein sequence and biophysical properties (such as structural, functional, and spatial information, amino acid conservation, physicochemical variation, residue mobility, and thermodynamic stability) performed at Invitae indicates that this missense variant is not expected to disrupt CBL protein function. In summary, the available evidence is currently insufficient to determine the role of this variant in disease. Therefore, it has been classified as a Variant of Uncertain Significance. This variant has not been reported in the literature in individuals with CBL-related conditions. This variant is not present in population databases (ExAC no frequency). This sequence change replaces valine with isoleucine at codon 896 of the CBL protein (p.Val896Ile). The valine residue is highly conserved and there is a small physicochemical difference between valine and isoleucine.

NM_005188.4(CBL):c.2686G>A (p.Val896Ile)

Gene: CBL (Cbl proto-oncogene; plus strand). Cytogenetic location: 11q23.3.
Variant type: single nucleotide variant.
Coding change: c.2686G>A on transcript NM_005188.4 (MANE Select); coding-DNA position 2686, G replaced by A.
Protein change: p.Val896Ile; replaces valine 896 with isoleucine.
Molecular consequence: missense variant.
Genome position (GRCh38, 1-based): chr11:119,299,746, G>A. VCF-style: chr11-119299746-G-A. GRCh37 (hg19) VCF-style: chr11-119170456-G-A.
Other names: short protein forms V896I.
Identifiers: ClinVar variation 1360334 (VCV001360334.8), dbSNP rs2135322351, ClinGen allele CA382934171.